The following is an entry in ClinVar:

ClinVar aggregate classification (germline): Uncertain significance (1 of 4 stars; one submission).

Conditions:
Cardiovascular phenotype. Identifiers: MedGen CN230736.
Hereditary cancer-predisposing syndrome. Also called: Neoplastic Syndromes, Hereditary; Tumor predisposition; Hereditary Cancer Syndrome; Hereditary neoplastic syndrome. Identifiers: Orphanet 140162, MedGen C0027672, MeSH D009386, MONDO:0015356.

Allele frequency attached by ClinVar (database versions not stated): gnomAD exomes below 0.00001; gnomAD 0.00001.
gnomAD v4.1: 2 of 1,613,332 alleles (0.00012%); highest among the groups gnomAD compares: East Asian, 0.0022%; no homozygotes.

Submission:

Ambry Genetics
Classification: Uncertain significance for Cardiovascular phenotype; Hereditary cancer-predisposing syndrome. Last evaluated: 2022-06-18. Review status: criteria provided, single submitter. Criteria: Ambry Variant Classification Scheme 2023. Collection method: clinical testing. Allele origin: germline.
Comment: The p.P425L variant (also known as c.1274C>T), located in coding exon 12 of the LZTR1 gene, results from a C to T substitution at nucleotide position 1274. The proline at codon 425 is replaced by leucine, an amino acid with similar properties. This amino acid position is conserved. In addition, the in silico prediction for this alteration is inconclusive. Since supporting evidence is limited at this time, the clinical significance of this alteration remains unclear.

NM_006767.4(LZTR1):c.1274C>T (p.Pro425Leu)

Gene: LZTR1 (leucine zipper like post translational regulator 1; plus strand). Cytogenetic location: 22q11.21.
Variant type: single nucleotide variant.
Coding change: c.1274C>T on transcript NM_006767.4 (MANE Select); coding-DNA position 1274, C replaced by T.
Protein change: p.Pro425Leu; replaces proline 425 with leucine.
Molecular consequence: missense variant.
Genome position (GRCh38, 1-based): chr22:20,993,675, C>T. VCF-style: chr22-20993675-C-T. GRCh37 (hg19) VCF-style: chr22-21347964-C-T.
Other names: short protein forms P425L.
Identifiers: ClinVar variation 1766188 (VCV001766188.2), dbSNP rs1194561931, ClinGen allele CA410774322.